The following is an entry in ClinVar:

ClinVar aggregate classification (germline): Likely benign. Review status: reviewed by expert panel (3 of 4 stars). 8 submissions from 8 submitters: Likely benign (1). 7 of the submissions do not count toward it. Last evaluated 2017-04-18.

Conditions:
PTPN11-related disorder. Also called: PTPN11-Related Disorders.
Noonan syndrome 1 (NS1). Also called: FEMALE PSEUDO-TURNER SYNDROME; PTPN11-Related Noonan Syndrome; TURNER PHENOTYPE WITH NORMAL KARYOTYPE. Identifiers: Orphanet 648, MedGen C4551602, MONDO:0008104, OMIM 163950. Disease mechanism: gain of function.
Juvenile myelomonocytic leukemia (JMML). Also called: LEUKEMIA, JUVENILE MYELOMONOCYTIC, SOMATIC. Identifiers: Orphanet 86834, MedGen C0349639, MONDO:0011908, OMIM 607785, HP:0012209.
Metachondromatosis (METCDS). Identifiers: Orphanet 2499, MedGen C0410530, MONDO:0007979, OMIM 156250.
LEOPARD syndrome 1 (LPRD1). Also called: LENTIGINOSIS, CARDIOMYOPATHIC; MULTIPLE LENTIGINES SYNDROME; PTPN11-Related LEOPARD Syndrome. Identifiers: Orphanet 500, MedGen C4551484, MONDO:0100082, OMIM 151100.
RASopathy. Also called: rasopathies; Noonan spectrum disorder. Identifiers: Orphanet 536391, MedGen C5555857, MONDO:0021060.

Allele frequency attached by ClinVar (database versions not stated): gnomAD exomes 0.00001 and 0.00005; ExAC 0.00007; ESP Exome Variant Server 0.00024; gnomAD 0.00029 and 0.00030; TOPMed 0.00031.

Submissions (8):

ClinGen RASopathy Variant Curation Expert Panel
Classification: Likely benign for Noonan syndrome and Noonan-related syndrome. Last evaluated: 2017-04-18. Review status: reviewed by expert panel. Criteria: ClinGen RASopathy ACMG Specifications v1. Collection method: curation. Allele origin: germline. Inheritance: Autosomal dominant inheritance.
Comment: The filtering allele frequency of the c.643-6dupG variant in the PTPN11 gene is 0.0461% (9/10166) of African chromosomes by the Exome Aggregation Consortium, which is a high enough frequency to be classified as likely benign based on thresholds defined by the ClinGen RASopathy Expert Panel (BS1; PMID:29493581)

Labcorp Genetics (formerly Invitae), Labcorp
Classification: Likely benign for RASopathy. Last evaluated: 2026-02-03. Review status: criteria provided, single submitter. Criteria: Invitae Variant Classification Sherloc (09022015). Collection method: clinical testing. Allele origin: germline. Not counted in ClinVar's aggregate classification.

Molecular Diagnostic Laboratory for Inherited Cardiovascular Disease, Montreal Heart Institute
Classification: Benign. Last evaluated: 2025-04-09. Review status: criteria provided, single submitter. Criteria: ACMG Guidelines, 2015. Collection method: clinical testing. Allele origin: germline. Affected: no. Not counted in ClinVar's aggregate classification.

Fulgent Genetics
Classification: Likely benign for LEOPARD syndrome 1; Metachondromatosis; Noonan syndrome 1; Juvenile myelomonocytic leukemia. Last evaluated: 2022-04-26. Review status: criteria provided, single submitter. Criteria: ACMG Guidelines, 2015. Collection method: clinical testing. Allele origin: unknown. Not counted in ClinVar's aggregate classification.

Women's Health and Genetics/Laboratory Corporation of America, LabCorp
Classification: Likely benign. Last evaluated: 2021-03-15. Review status: criteria provided, single submitter. Criteria: LabCorp Variant Classification Summary - May 2015. Collection method: clinical testing. Allele origin: germline. Not counted in ClinVar's aggregate classification.
Comment: Variant summary: PTPN11 c.643-6dupG alters a nucleotide located close to a canonical splice site and therefore could affect mRNA splicing, leading to a significantly altered protein sequence. 3/4 computational tools predict no significant impact on normal splicing. However, these predictions have yet to be confirmed by functional studies. The variant allele was found at a frequency of 4.8e-05 in 250408 control chromosomes, predominantly at a frequency of 0.00074 within the African or African-American subpopulation in the gnomAD database. The observed variant frequency within African or African-American control individuals in the gnomAD database is approximately 12 fold of the estimated maximal expected allele frequency for a pathogenic variant in PTPN11 causing Noonan Syndrome And Related Conditions phenotype (6.3e-05), strongly suggesting that the variant is a benign polymorphism found primarily in populations of African or African-American origin. To our knowledge, no occurrence of c.643-6dupG in individuals affected with Noonan Syndrome And Related Conditions and no experimental evidence demonstrating its impact on protein function have been reported. Two ClinVar submitters, including one expert panel (ClinGen), (evaluation after 2014) cite the variant as likely benign. Based on the evidence outlined above, the variant was classified as likely benign.

Genetic Services Laboratory, University of Chicago
Classification: Likely benign. Last evaluated: 2020-04-26. Review status: criteria provided, single submitter. Criteria: ACMG Guidelines, 2015. Collection method: clinical testing. Allele origin: germline. Affected: no. Not counted in ClinVar's aggregate classification.

GeneDx
Classification: Benign. Last evaluated: 2018-11-08. Review status: criteria provided, single submitter. Criteria: GeneDx Variant Classification Process June 2021. Collection method: clinical testing. Allele origin: germline. Affected: yes. Not counted in ClinVar's aggregate classification.

PreventionGenetics, part of Exact Sciences
Classification: Likely benign for PTPN11-related condition. Last evaluated: 2023-12-08. Review status: no assertion criteria provided. Collection method: clinical testing. Allele origin: germline. Not counted in ClinVar's aggregate classification.
Comment: This variant is classified as likely benign based on ACMG/AMP sequence variant interpretation guidelines (Richards et al. 2015 PMID: 25741868, with internal and published modifications).

NM_002834.5(PTPN11):c.643-6dup

Gene: PTPN11 (protein tyrosine phosphatase non-receptor type 11; plus strand). Cytogenetic location: 12q24.13.
Variant type: Duplication.
Coding change: c.643-6dup on transcript NM_002834.5 (MANE Select); 6 bases into the intron before coding-DNA position 643, one base duplicated (G; older notation c.643-6dupG).
Molecular consequence: intron variant.
Genome position (GRCh38, 1-based): chr12:112,455,944, G duplicated. VCF-style (leftmost placement, unchanged base first): chr12-112455943-C-CG. GRCh37 (hg19) VCF-style: chr12-112893747-C-CG.
Other names: c.643-6dupG (NM_002834.3); c.643-6dup (NM_001330437.2, NM_080601.3, NM_002834.4); c.640-6dup (NM_001374625.1).
Identifiers: ClinVar variation 448922 (VCV000448922.24), dbSNP rs758889732, ClinGen allele CA6798615.